The following is an entry in ClinVar:

NM_032043.3(BRIP1):c.1141-10T>A

Gene: BRIP1 (BRCA1 interacting DNA helicase 1; minus strand). Cytogenetic location: 17q23.2.
Variant type: single nucleotide variant.
Coding change: c.1141-10T>A on transcript NM_032043.3 (MANE Select); 10 bases into the intron before coding-DNA position 1141, T replaced by A.
Molecular consequence: intron variant.
Genome position (GRCh38, 1-based): chr17:61,799,309, A>T on the plus strand (T>A on the coding strand, the complement: BRIP1 is on the minus strand). VCF-style: chr17-61799309-A-T. GRCh37 (hg19) VCF-style: chr17-59876670-A-T.
Identifiers: ClinVar variation 4791555 (VCV004791555.1).

ClinVar aggregate classification (germline): Uncertain significance (1 of 4 stars; one submission).

Conditions:
Fanconi anemia complementation group J. Also called: BRIP1-Related Fanconi Anemia. Identifiers: Orphanet 84, MedGen C1836860, MONDO:0012187, OMIM 609054.
Familial cancer of breast. Also called: BREAST CANCER, FAMILIAL; Hereditary breast cancer; hereditary breast carcinoma. Identifiers: Orphanet 227535, MedGen C0346153, MONDO:0016419, OMIM 114480. Disease mechanism: loss of function.

Submission:

Labcorp Genetics (formerly Invitae), Labcorp
Classification: Uncertain significance for Familial cancer of breast; Fanconi anemia complementation group J. Last evaluated: 2025-10-02. Review status: criteria provided, single submitter. Criteria: Invitae Variant Classification Sherloc (09022015). Collection method: clinical testing. Allele origin: germline.
Comment: This sequence change falls in intron 8 of the BRIP1 gene. It does not directly change the encoded amino acid sequence of the BRIP1 protein. This variant is not present in population databases (gnomAD no frequency). This variant has not been reported in the literature in individuals affected with BRIP1-related conditions. Studies have shown that this variant is associated with inconclusive levels of altered splicing (internal data). In summary, the available evidence is currently insufficient to determine the role of this variant in disease. Therefore, it has been classified as a Variant of Uncertain Significance.